The following is an entry in ClinVar:

NM_000350.3(ABCA4):c.6422C>T (p.Ala2141Val)

Gene: ABCA4 (ATP binding cassette subfamily A member 4; minus strand). Cytogenetic location: 1p22.1.
Variant type: single nucleotide variant.
Coding change: c.6422C>T on transcript NM_000350.3 (MANE Select); coding-DNA position 6422, C replaced by T.
Protein change: p.Ala2141Val; replaces alanine 2141 with valine.
Molecular consequence: missense variant.
Genome position (GRCh38, 1-based): chr1:94,000,893, G>A on the plus strand (C>T on the coding strand, the complement: ABCA4 is on the minus strand). VCF-style: chr1-94000893-G-A. GRCh37 (hg19) VCF-style: chr1-94466449-G-A.
Other names: c.6200C>T, p.Ala2067Val (NM_001425324.1); short protein forms A2141V, A2067V.
Identifiers: ClinVar variation 2102088 (VCV002102088.1), dbSNP rs1659154305, ClinGen allele CA341277337.
Genomic context (GRCh38, chr1:94,000,893, plus strand): 5'-TACTTGGACTTGAGATGCTGAATGGTGCCCATACATCGAAAGGCGCCCTTTACCATGATG[G>A]CCAGCCGGGTACACAGTGCCTCACATTCTTCCATGCTGTGGGGCAGGAGAGAGGAGGTGA-3'
Protein context (NP_000341.2, residues 2131-2151): EECEALCTRL[Ala2141Val]IMVKGAFRCM

ClinVar aggregate classification (germline): Uncertain significance (1 of 4 stars; one submission).

Submission:

Labcorp Genetics (formerly Invitae), Labcorp
Classification: Uncertain significance. Last evaluated: 2022-03-18. Review status: criteria provided, single submitter. Criteria: Invitae Variant Classification Sherloc (09022015). Collection method: clinical testing. Allele origin: germline.
Comment: This sequence change replaces alanine, which is neutral and non-polar, with valine, which is neutral and non-polar, at codon 2141 of the ABCA4 protein (p.Ala2141Val). This variant is not present in population databases (gnomAD no frequency). This variant has not been reported in the literature in individuals affected with ABCA4-related conditions. Advanced modeling of protein sequence and biophysical properties (such as structural, functional, and spatial information, amino acid conservation, physicochemical variation, residue mobility, and thermodynamic stability) performed at Invitae indicates that this missense variant is expected to disrupt ABCA4 protein function. In summary, the available evidence is currently insufficient to determine the role of this variant in disease. Therefore, it has been classified as a Variant of Uncertain Significance.